The following is an entry in ClinVar:

ClinVar aggregate classification (germline): Pathogenic (1 of 4 stars; one submission).

Conditions:
Cutis laxa with osteodystrophy (ARCL2A). Also called: Debré-Type Cutis Laxa; CUTIS LAXA WITH CONGENITAL DISORDER OF GLYCOSYLATION; CUTIS LAXA WITH BONE DYSTROPHY; CUTIS LAXA WITH GROWTH AND DEVELOPMENTAL DELAY; CUTIS LAXA WITH JOINT LAXITY AND RETARDED DEVELOPMENT; Autosomal recessive cutis laxa type 2A. Identifiers: Orphanet 357058, MedGen C0268355, MONDO:0018163, OMIM 219200. Disease mechanism: loss of function.

gnomAD v4.1: 1 of 1,613,838 alleles (0.000062%); highest among the groups gnomAD compares: African/African-American, 0.0013%; no homozygotes.

Submission:

3billion
Classification: Pathogenic for Cutis laxa with osteodystrophy. Last evaluated: 2025-12-09. Review status: criteria provided, single submitter. Criteria: ACMG Guidelines, 2015. Collection method: clinical testing. Allele origin: germline. Affected: yes.
Comment: The variant is observed at an extremely low frequency in the gnomAD v4.1.0 dataset (total allele frequency: <0.001%). Predicted Consequence/Location: Stop-gained (nonsense): predicted to result in a loss or disruption of normal protein function through nonsense-mediated decay (NMD) or protein truncation. Multiple pathogenic variants are reported downstream of the variant. Therefore, this variant is classified as Pathogenic according to the recommendation of ACMG/AMP guideline.

NM_012463.4(ATP6V0A2):c.2113C>T (p.Gln705Ter)

Gene: ATP6V0A2 (ATPase H+ transporting V0 subunit a2; plus strand). Cytogenetic location: 12q24.31.
Variant type: single nucleotide variant.
Coding change: c.2113C>T on transcript NM_012463.4 (MANE Select); coding-DNA position 2113, C replaced by T.
Protein change: p.Gln705Ter; replaces glutamine 705 with a stop codon.
Molecular consequence: nonsense.
Genome position (GRCh38, 1-based): chr12:123,752,340, C>T. VCF-style: chr12-123752340-C-T. GRCh37 (hg19) VCF-style: chr12-124236887-C-T.
Other names: short protein forms Q705*.
Identifiers: ClinVar variation 4855177 (VCV004855177.1).